The following is an entry in ClinVar:

ClinVar aggregate classification (germline): Pathogenic/Likely pathogenic. Review status: criteria provided, multiple submitters, no conflicts (2 of 4 stars). 3 submissions from 3 submitters: Pathogenic (1); Likely pathogenic (2). Last evaluated 2026-01-26.

Conditions:
Autosomal recessive multiple pterygium syndrome. Also called: MULTIPLE PTERYGIUM SYNDROME, ESCOBAR VARIANT; PTERYGIUM COLLI SYNDROME; PTERYGIUM SYNDROME; PTERYGIUM UNIVERSALE. Identifiers: Orphanet 2990, MedGen C0265261, MONDO:0009926, OMIM 265000.
Lethal multiple pterygium syndrome (LMPS). Identifiers: Orphanet 33108, MedGen C1854678, MONDO:0009668, OMIM 253290.

Submissions (3):

3billion
Classification: Pathogenic for Autosomal recessive multiple pterygium syndrome. Last evaluated: 2026-01-26. Review status: criteria provided, single submitter. Criteria: ACMG Guidelines, 2015. Collection method: clinical testing. Allele origin: germline. Affected: yes.
Comment: The variant is observed at an extremely low frequency in the gnomAD v4.1.0 dataset (total allele frequency: <0.001%). Predicted Consequence/Location: Frameshift: predicted to result in a loss or disruption of normal protein function through nonsense-mediated decay (NMD) or protein truncation. Multiple pathogenic variants are reported downstream of the variant. In silico tools predict the variant to alter splicing and produce an abnormal transcript [SpliceAI: 0.93 (spliceogenicity >=0.2, non-spliceogenicity <0.1)]. The variant has been reported to be in trans with a pathogenic variant as either compound heterozygous or homozygous in at least one similarly affected unrelated individual (3billion dataset). The variant has been reported at least twice as pathogenic without evidence for the classification (ClinVar ID: VCV001320054 /PMID: 32901917 /3billion dataset). Therefore, this variant is classified as Pathogenic according to the recommendation of ACMG/AMP guideline.

GeneDx
Classification: Likely pathogenic. Last evaluated: 2025-06-06. Review status: criteria provided, single submitter. Criteria: GeneDx Variant Classification Process June 2021. Collection method: clinical testing. Allele origin: germline. Affected: yes.
Comment: Canonical splice site variant predicted to result in an in-frame loss of the adjacent exon in a gene for which loss of function is a known mechanism of disease; This variant is associated with the following publications: (PMID: 32901917, 40390582)

Fulgent Genetics
Classification: Likely pathogenic for Lethal multiple pterygium syndrome; Autosomal recessive multiple pterygium syndrome. Last evaluated: 2024-06-19. Review status: criteria provided, single submitter. Criteria: ACMG Guidelines, 2015. Collection method: clinical testing. Allele origin: germline.

Literature cited by the submitters: PubMed 32901917 (cited by 3billion).

NM_005199.5(CHRNG):c.240+1del

Gene: CHRNG (cholinergic receptor nicotinic gamma subunit; plus strand). Cytogenetic location: 2q37.1.
Variant type: Deletion.
Coding change: c.240+1del on transcript NM_005199.5 (MANE Select); the canonical splice donor site of the intron after coding-DNA position 240, one base deleted (G; older notation c.240+1delG).
Molecular consequence: splice donor variant.
Genome position (GRCh38, 1-based): chr2:232,540,426, G deleted; the last of 2 consecutive G bases (chr2:232,540,425-232,540,426); deleting either gives the same sequence. VCF-style (leftmost placement, unchanged base first): chr2-232540424-TG-T. GRCh37 (hg19) VCF-style: chr2-233405134-TG-T.
Other names: c.240del (NM_005199.5).
Identifiers: ClinVar variation 1320054 (VCV001320054.5), dbSNP rs777809198, ClinGen allele CA2168563.
Genomic context (GRCh38, chr2:232,540,424, plus strand): 5'-CACCCTTGCACCCCCAGAACGAGCGAGAGGAAGCCCTCACCACCAATGTCTGGATAGAGA[TG>T]GTAAGAGGCCACCCTGCCACCCTCCTTCCATCAGGGGTCCCACCCCACCACCCCAAGGCC-3'